The following is an entry in ClinVar:

NM_000352.6(ABCC8):c.79T>G (p.Phe27Val)

Gene: ABCC8 (ATP binding cassette subfamily C member 8; minus strand). Cytogenetic location: 11p15.1.
Variant type: single nucleotide variant.
Coding change: c.79T>G on transcript NM_000352.6 (MANE Select); coding-DNA position 79, T replaced by G.
Protein change: p.Phe27Val; replaces phenylalanine 27 with valine.
Molecular consequence: missense variant. On other transcripts: non-coding transcript variant (1).
Genome position (GRCh38, 1-based): chr11:17,476,698, A>C on the plus strand (T>G on the coding strand, the complement: ABCC8 is on the minus strand). VCF-style: chr11-17476698-A-C. GRCh37 (hg19) VCF-style: chr11-17498245-A-C.
Other names: c.79T>G, p.Phe27Val (NM_001287174.3, NM_001351295.2, NM_001351296.2 and 1 more transcripts); short protein forms F27V.
Identifiers: ClinVar variation 1376954 (VCV001376954.6), dbSNP rs1202763483, ClinGen allele CA379790048.

ClinVar aggregate classification (germline): Uncertain significance (1 of 4 stars; one submission).

Submission:

Labcorp Genetics (formerly Invitae), Labcorp
Classification: Uncertain significance. Last evaluated: 2022-07-19. Review status: criteria provided, single submitter. Criteria: Invitae Variant Classification Sherloc (09022015). Collection method: clinical testing. Allele origin: germline.
Comment: This sequence change replaces phenylalanine, which is neutral and non-polar, with valine, which is neutral and non-polar, at codon 27 of the ABCC8 protein (p.Phe27Val). This variant is not present in population databases (gnomAD no frequency). This variant has not been reported in the literature in individuals affected with ABCC8-related conditions. ClinVar contains an entry for this variant (Variation ID: 1376954). Advanced modeling of protein sequence and biophysical properties (such as structural, functional, and spatial information, amino acid conservation, physicochemical variation, residue mobility, and thermodynamic stability) performed at Invitae indicates that this missense variant is expected to disrupt ABCC8 protein function. In summary, the available evidence is currently insufficient to determine the role of this variant in disease. Therefore, it has been classified as a Variant of Uncertain Significance.